The following is an entry in ClinVar:

ClinVar aggregate classification (germline): Uncertain significance (1 of 4 stars; one submission).

Conditions:
Inborn genetic diseases. Identifiers: MedGen C0950123, MeSH D030342.

Submission:

Ambry Genetics
Classification: Uncertain significance for Inborn genetic diseases. Last evaluated: 2025-09-07. Review status: criteria provided, single submitter. Criteria: Ambry Variant Classification Scheme 2023. Collection method: clinical testing. Allele origin: germline.
Comment: The p.E1675V variant (also known as c.5024A>T), located in coding exon 20 of the FANCM gene, results from an A to T substitution at nucleotide position 5024. The glutamic acid at codon 1675 is replaced by valine, an amino acid with dissimilar properties. This amino acid position is conserved. In addition, this alteration is predicted to be tolerated by in silico analysis. Based on the available evidence, the clinical significance of this variant remains unclear.

NM_020937.4(FANCM):c.5024A>T (p.Glu1675Val)

Gene: FANCM (FA complementation group M; plus strand). Cytogenetic location: 14q21.2.
Variant type: single nucleotide variant.
Coding change: c.5024A>T on transcript NM_020937.4 (MANE Select); coding-DNA position 5024, A replaced by T.
Protein change: p.Glu1675Val; replaces glutamic acid 1675 with valine.
Molecular consequence: missense variant.
Genome position (GRCh38, 1-based): chr14:45,189,046, A>T. VCF-style: chr14-45189046-A-T. GRCh37 (hg19) VCF-style: chr14-45658249-A-T.
Other names: c.4946A>T, p.Glu1649Val (NM_001308133.2); short protein forms E1649V, E1675V.
Identifiers: ClinVar variation 4254742 (VCV004254742.1).